The following is an entry in ClinVar:

NM_024753.5(TTC21B):c.3600G>A (p.Trp1200Ter)

Gene: TTC21B (tetratricopeptide repeat domain 21B; minus strand). Cytogenetic location: 2q24.3.
Variant type: single nucleotide variant.
Coding change: c.3600G>A on transcript NM_024753.5 (MANE Select); coding-DNA position 3600, G replaced by A.
Protein change: p.Trp1200Ter; replaces tryptophan 1200 with a stop codon.
Molecular consequence: nonsense.
Genome position (GRCh38, 1-based): chr2:165,883,878, C>T on the plus strand (G>A on the coding strand, the complement: TTC21B is on the minus strand). VCF-style: chr2-165883878-C-T. GRCh37 (hg19) VCF-style: chr2-166740388-C-T.
Other names: short protein forms W1200*.
Identifiers: ClinVar variation 3352650 (VCV003352650.1).
Genomic context (GRCh38, chr2:165,883,878, plus strand): 5'-TAACAGGTCTTCTGCCATGTCATATTTTGCTGATTGAATGTAAATATCAGCAAGTAGCAG[C>T]CAACTCTTCTCAAACTCTTCAGCATCAATAGCATTCCAATTCATTTTCGCAATACGCTTC-3'

ClinVar aggregate classification (germline): Likely pathogenic (0 of 4 stars; one submission).

Conditions:
TTC21B-related disorder. Also called: TTC21B-related disorders; TTC21B-related condition.

gnomAD v4.1: 1 of 1,614,080 alleles (0.000062%); highest among the groups gnomAD compares: Non-Finnish European, 0.000085%; no homozygotes.

Submission:

PreventionGenetics, part of Exact Sciences
Classification: Likely pathogenic for TTC21B-related condition. Last evaluated: 2024-07-17. Review status: no assertion criteria provided. Collection method: clinical testing. Allele origin: germline.
Comment: The TTC21B c.3600G>A variant is predicted to result in premature protein termination (p.Trp1200*). To our knowledge, this variant has not been reported in the literature or in a large population database, indicating this variant is rare. Nonsense variants in TTC21B are expected to be pathogenic. This variant is interpreted as likely pathogenic.